The following is an entry in ClinVar:

NM_014141.6(CNTNAP2):c.2034T>A (p.Ser678Arg)

Gene: CNTNAP2 (contactin associated protein 2; plus strand). Cytogenetic location: 7q35.
Variant type: single nucleotide variant.
Coding change: c.2034T>A on transcript NM_014141.6 (MANE Select); coding-DNA position 2034, T replaced by A.
Protein change: p.Ser678Arg; replaces serine 678 with arginine.
Molecular consequence: missense variant.
Genome position (GRCh38, 1-based): chr7:147,639,242, T>A. VCF-style: chr7-147639242-T-A. GRCh37 (hg19) VCF-style: chr7-147336334-T-A.
Other names: short protein forms S678R.
Identifiers: ClinVar variation 1358221 (VCV001358221.6), dbSNP rs756765232, ClinGen allele CA369926340.

ClinVar aggregate classification (germline): Uncertain significance (1 of 4 stars; one submission).

Conditions:
Cortical dysplasia-focal epilepsy syndrome (PTHSL1). Also called: Pitt-Hopkins-like syndrome 1. Identifiers: Orphanet 163681, Orphanet 221150, MedGen C2750246, MONDO:0012400, OMIM 610042.

gnomAD v4.1: 2 of 1,614,102 alleles (0.00012%); highest among the groups gnomAD compares: Non-Finnish European, 0.00017%; no homozygotes.

Submission:

Labcorp Genetics (formerly Invitae), Labcorp
Classification: Uncertain significance for Cortical dysplasia-focal epilepsy syndrome. Last evaluated: 2021-07-13. Review status: criteria provided, single submitter. Criteria: Invitae Variant Classification Sherloc (09022015). Collection method: clinical testing. Allele origin: germline.
Comment: This sequence change replaces serine with arginine at codon 678 of the CNTNAP2 protein (p.Ser678Arg). The serine residue is highly conserved and there is a moderate physicochemical difference between serine and arginine. This variant is not present in population databases (ExAC no frequency). This variant has not been reported in the literature in individuals with CNTNAP2-related conditions. Algorithms developed to predict the effect of missense changes on protein structure and function are either unavailable or do not agree on the potential impact of this missense change (SIFT: "Deleterious"; PolyPhen-2: "Benign"; Align-GVGD: "Class C0"). In summary, the available evidence is currently insufficient to determine the role of this variant in disease. Therefore, it has been classified as a Variant of Uncertain Significance.